The following is an entry in ClinVar:

NM_153766.3(KCNJ1):c.118_119del (p.Gln40fs)

Gene: KCNJ1 (potassium inwardly rectifying channel subfamily J member 1; minus strand). Cytogenetic location: 11q24.3.
Variant type: Microsatellite.
Coding change: c.118_119del on transcript NM_153766.3 (MANE Select); coding-DNA positions 118 to 119, 2 bases deleted (CA; older notation c.118_119delCA).
Protein change: p.Gln40fs; shifts the reading frame from glutamine 40.
Molecular consequence: frameshift variant.
Genome position (GRCh38, 1-based): chr11:128,840,125-128,840,126, TG deleted on the plus strand (CA on the coding strand, the reverse complement: KCNJ1 is on the minus strand); deleting any 2 consecutive bases within chr11:128,840,125-128,840,128 gives the same sequence; the c. name uses the placement nearest the transcript's 3' end. VCF-style (leftmost placement, unchanged base first): chr11-128840124-CTG-C. GRCh37 (hg19) VCF-style: chr11-128710019-CTG-C.
Other names: c.175_176del, p.Gln59fs (NM_000220.6); c.118_119del, p.Gln40fs (NM_153764.3, NM_153767.4); c.169_170del, p.Gln57fs (NM_153765.3); short protein forms Q40fs, Q57fs, Q59fs.
Identifiers: ClinVar variation 3731364 (VCV003731364.1).

ClinVar aggregate classification (germline): Uncertain significance (1 of 4 stars; one submission).

Conditions:
Bartter disease type 2. Also called: HYPERPROSTAGLANDIN E SYNDROME 2; HYPOKALEMIC ALKALOSIS WITH HYPERCALCIURIA 2, ANTENATAL; Bartter syndrome, type 2, antenatal. Identifiers: Orphanet 112, Orphanet 620220, MedGen C1855849, MONDO:0009424, OMIM 241200.

Submission:

Neuberg Centre For Genomic Medicine, NCGM
Classification: Uncertain significance for Bartter disease type 2. Last evaluated: 2023-06-22. Review status: criteria provided, single submitter. Criteria: ACMG Guidelines, 2015. Collection method: clinical testing. Allele origin: germline. Inheritance: Autosomal recessive inheritance. Affected: yes.
Comment: The frame shift c.118_119del (p.Gln40ValfsTer15) variant in KCNJ1 gene has not been reported previously as a pathogenic variant nor as a benign variant, to our knowledge. The p.Gln40ValfsTer15 variant is absent in gnomAD eoxmes database. This variant has not been submitted to the ClinVar database. This variant causes a frameshift starting with codon Glutamine 40, changes this amino acid to Valine residue, and creates a premature Stop codon at position 15 of the new reading frame, denoted p.Gln40ValfsTer15. However since this variant is present in the last exon, functional studies will be required to prove protein truncation. Hence the variant is classified as Uncertain Significance (VUS). In the absence of another reportable variant in KCNJ1 gene, the molecular diagnosis is not confirmed.